The following is an entry in ClinVar:

ClinVar aggregate classification (germline): Uncertain significance (1 of 4 stars; one submission).

Conditions:
Marfan syndrome (MFS). Also called: FBN1-Related Marfan Syndrome; MARFAN SYNDROME, TYPE I; Marfan syndrome type 1; Marfan's syndrome; Marfan syndrome, classic. Identifiers: Orphanet 284963, Orphanet 558, MedGen C0024796, MONDO:0007947, OMIM 154700.
Familial thoracic aortic aneurysm and aortic dissection (TAAD). Also called: Thoracic aortic aneurysms and dissections. Identifiers: Orphanet 91387, MedGen C4707243, MONDO:0019625.

Submission:

Labcorp Genetics (formerly Invitae), Labcorp
Classification: Uncertain significance for Marfan syndrome; Familial thoracic aortic aneurysm and aortic dissection. Last evaluated: 2025-10-29. Review status: criteria provided, single submitter. Criteria: Invitae Variant Classification Sherloc (09022015). Collection method: clinical testing. Allele origin: germline.
Comment: This sequence change falls in intron 40 of the FBN1 gene. It does not directly change the encoded amino acid sequence of the FBN1 protein. It affects a nucleotide within the consensus splice site. This variant is not present in population databases (gnomAD no frequency). This variant has not been reported in the literature in individuals affected with FBN1-related conditions. Variants that disrupt the consensus splice site are a relatively common cause of aberrant splicing (PMID: 17576681, 9536098). Algorithms developed to predict the effect of sequence changes on RNA splicing suggest that this variant is not likely to affect RNA splicing. In summary, the available evidence is currently insufficient to determine the role of this variant in disease. Therefore, it has been classified as a Variant of Uncertain Significance.

Literature cited by the submitters: PubMed 17576681; PubMed 9536098.

NM_000138.5(FBN1):c.4942+6T>G

Gene: FBN1 (fibrillin 1; minus strand). Cytogenetic location: 15q21.1.
Variant type: single nucleotide variant.
Coding change: c.4942+6T>G on transcript NM_000138.5 (MANE Select); 6 bases into the intron after coding-DNA position 4942, T replaced by G.
Molecular consequence: intron variant.
Genome position (GRCh38, 1-based): chr15:48,465,562, A>C on the plus strand (T>G on the coding strand, the complement: FBN1 is on the minus strand). VCF-style: chr15-48465562-A-C. GRCh37 (hg19) VCF-style: chr15-48757759-A-C.
Other names: c.4942+6T>G (NM_001406716.1).
Identifiers: ClinVar variation 4786563 (VCV004786563.1).